The following is an entry in ClinVar:

NM_001009944.3(PKD1):c.7844T>C (p.Leu2615Pro)

Gene: PKD1 (polycystin 1, transient receptor potential channel interacting; minus strand). Cytogenetic location: 16p13.3.
Variant type: single nucleotide variant.
Coding change: c.7844T>C on transcript NM_001009944.3 (MANE Select); coding-DNA position 7844, T replaced by C.
Protein change: p.Leu2615Pro; replaces leucine 2615 with proline.
Molecular consequence: missense variant.
Genome position (GRCh38, 1-based): chr16:2,105,884, A>G on the plus strand (T>C on the coding strand, the complement: PKD1 is on the minus strand). VCF-style: chr16-2105884-A-G. GRCh37 (hg19) VCF-style: chr16-2155885-A-G.
Other names: c.7844T>C, p.Leu2615Pro (NM_000296.4); short protein forms L2615P.
Identifiers: ClinVar variation 1255657 (VCV001255657.3), dbSNP rs2151769881, ClinGen allele CA394367663.

ClinVar aggregate classification (germline): Uncertain significance. Review status: criteria provided, single submitter (1 of 4 stars). 2 submissions from 2 submitters: Uncertain significance (1). 1 of the submissions does not count toward it. Last evaluated 2025-06-20.

Conditions:
Autosomal dominant polycystic kidney disease. Identifiers: Orphanet 730, MedGen C0085413, MONDO:0004691.

Submissions (2):

Women's Health and Genetics/Laboratory Corporation of America, LabCorp
Classification: Uncertain significance. Last evaluated: 2025-06-20. Review status: criteria provided, single submitter. Criteria: LabCorp Variant Classification Summary - May 2015. Collection method: clinical testing. Allele origin: germline.
Comment: Variant summary: PKD1 c.7844T>C (p.Leu2615Pro) results in a non-conservative amino acid change in the encoded protein sequence. Algorithms developed to predict the effect of missense changes on protein structure and function are either unavailable or do not agree on the potential impact of this missense change. The variant was absent in 232180 control chromosomes. The available data on variant occurrences in the general population are insufficient to allow any conclusion about variant significance. c.7844T>C has been observed in individual(s) affected with PKD1-related conditions (Cornec-Le Gall_2016). These report(s) do not provide unequivocal conclusions about association of the variant with PKD1-Biallelic Autosomal Recessive Polycystic Kidney Disease. To our knowledge, no experimental evidence demonstrating an impact on protein function has been reported. The following publication has been ascertained in the context of this evaluation (PMID: 26150605). ClinVar contains an entry for this variant (Variation ID: 1255657). Based on the evidence outlined above, the variant was classified as uncertain significance.

Laboratory of Gastroenterology and Hepatology, Radboud University Medical Center
Classification: Uncertain significance for Autosomal dominant polycystic kidney disease. Last evaluated: 2021-09-01. Review status: no assertion criteria provided. Collection method: research. Allele origin: germline. Affected: yes. Not counted in ClinVar's aggregate classification.

Literature cited by the submitters: PubMed 26150605 (cited by Women's Health and Genetics/Laboratory Corporation of America, LabCorp).